The following continues an entry in ClinVar:

NM_002834.5(PTPN11):c.188A>G (p.Tyr63Cys)

Gene: PTPN11. ClinVar aggregate classification (germline): Pathogenic. Pathogenic (1). ClinVar aggregate classification (somatic clinical impact): Tier II - Potential.

Submissions 17 to 34 of 59:

ARUP Laboratories, Molecular Genetics and Genomics, ARUP Laboratories
Classification: Pathogenic. Last evaluated: 2023-08-16. Review status: criteria provided, single submitter. Criteria: ARUP Molecular Germline Variant Investigation Process 2024. Collection method: clinical testing. Allele origin: germline. Not counted in ClinVar's aggregate classification.
Comment: The PTPN11 c.188A>G; p.Tyr63Cys variant (rs121918459) has been reported in multiple patients diagnosed with Noonan syndrome (Tartaglia 2001, Jongmans 2011, Martinelli 2012, Hashida 2013, Lepri 2014, Okamoto 2015). This variant is found on only three chromosomes (3/251010 alleles) in the Genome Aggregation Database, indicating it is not a common polymorphism, and it is listed as pathogenic in ClinVar by multiple clinical laboratories (Variation ID: 13333). The p.Tyr63Cys variant is located in a structurally important region of the catalytic N-terminal SH2 domain of PTPN11 (Hof 1998), and several additional variants in neighboring codons (p.Asp61Asn, p.Asp61Gly, p.Tyr62Asp, p.Tyr62Asn) have also been identified in individuals with Noonan syndrome (Jongmans 2011, Tartaglia 2002, Tartaglia 2006). Functional characterization of the p.Tyr63Cys variant protein indicates over-activation of p38alpha MAP kinase and phosphorERK1/2 upon growth factor signaling (Martinelli 2012, Hashida 2013), consistent with the established disease mechanisms of Noonan syndrome. Based on available information, the p.Tyr63Cys variant is classified as pathogenic. References: Hashida N et al. MAPK activation in mature cataract associated with Noonan syndrome. BMC Ophthalmol. 2013 Nov 12;13:70. PMID: 24219368 Hof P et al. Crystal structure of the tyrosine phosphatase SHP-2. Cell. 1998 Feb 20;92(4):441-50. PMID: 9491886 Jongmans M et al. Cancer risk in patients with Noonan syndrome carrying a PTPN11 mutation. Eur J Hum Genet. 2011 Aug;19(8):870-4. PMID: 21407260 Lepri et al. Diagnosis of Noonan syndrome and related disorders using target next generation sequencing. BMC Med Genet. 2014 Jan 23;15:14. PMID: 24451042 Martinelli S et al. Counteracting effects operating on Src homology 2 domain-containing protein-tyrosine phosphatase 2 (SHP2) function drive selection of the recurrent Y62D and Y63C substitutions in Noonan syndrome. J Biol Chem. 2012 Aug 3;287(32):27066-77. PMID: 22711529 Okamoto N et al. Targeted next-generation sequencing in the diagnosis of neurodevelopmental disorders. Clin Genet. 2015 Sep;88(3):288-92. PMID: 25156961 Tartaglia M et al. Mutations in PTPN11, encoding the protein tyrosine phosphatase SHP-2, cause Noonan syndrome. Nat Genet. 2001 Dec;29(4):465-8. PMID: 11704759 Tartaglia M et al. PTPN11 mutations in Noonan syndrome: molecular spectrum, genotype-phenotype correlation, and phenotypic heterogeneity. Am J Hum Genet. 2002 Jun;70(6):1555-63. PMID: 11992261 Tartaglia M et al. Diversity and functional consequences of germline and somatic PTPN11 mutations in human disease. Am J Hum Genet. 2006 Feb;78(2):279-90. PMID: 16358218

Division of Human Genetics, National Health Laboratory Service/University of the Witwatersrand
Classification: Pathogenic for RASopathy. Last evaluated: 2023-07-01. Review status: criteria provided, single submitter. Criteria: ACMG Guidelines, 2015. Collection method: research. Allele origin: germline. Affected: yes. Not counted in ClinVar's aggregate classification.

Institute for Genomic Medicine (IGM) Clinical Laboratory, Nationwide Children's Hospital
Classification: Tier II - Potential for Pilocytic astrocytoma. Assertion type: diagnostic. Clinical significance: supports diagnosis. Last evaluated: 2022-09-27. Review status: criteria provided, single submitter. Criteria: AMP/ASCO/CAP Guidelines, 2017. Collection method: clinical testing. Allele origin: somatic. Affected: yes.
Comment: Variant has Tier II (potential) clinical significance as a diagnostic inclusion criterion in pilocytic astrocytoma, based on the following evidence: 1) Documented in one or more cancer databases (e.g., St. Jude Pecan, COSMIC, CIViC, OncoKB). 2) Information in the literature supports potential biologic effect of variant (PMIDs: 15834506, 14644997). 3) Diagnostic significance based on multiple small studies (Evidence Level C; PMIDs: 28912153, 23817572, 19621452, 28328117).

MGZ Medical Genetics Center
Classification: Pathogenic for Noonan syndrome 1. Last evaluated: 2022-08-16. Review status: criteria provided, single submitter. Criteria: ACMG Guidelines, 2015. Collection method: clinical testing. Allele origin: germline. Affected: yes. Observed: 1 variant allele. Not counted in ClinVar's aggregate classification.
Comment: ACMG criteria applied: PS3, PS4, PP1_STR, PM1, PP2, PP3

Mayo Clinic Laboratories, Mayo Clinic
Classification: Pathogenic. Last evaluated: 2022-06-02. Review status: criteria provided, single submitter. Criteria: ACMG Guidelines, 2015. Collection method: clinical testing. Allele origin: germline. Observed: 8 variant alleles. Not counted in ClinVar's aggregate classification.
Comment: PP1_strong, PP2, PP3, PM1, PS3_moderate

Laboratorio de Genetica e Diagnostico Molecular, Hospital Israelita Albert Einstein
Classification: Pathogenic for LEOPARD syndrome 1. Last evaluated: 2022-04-06. Review status: criteria provided, single submitter. Criteria: ACMG Guidelines, 2015. Collection method: clinical testing. Allele origin: germline. Affected: yes. Observed: 1 variant allele. Not counted in ClinVar's aggregate classification.
Comment: ACMG classification criteria: PS3 strong, PS4 strong, PM1 moderated, PP1 strong, PP2 supporting, PP3 supporting

Revvity Omics, Revvity
Classification: Pathogenic. Last evaluated: 2022-03-18. Review status: criteria provided, single submitter. Criteria: ACMG Guidelines, 2015. Collection method: clinical testing. Allele origin: germline. Not counted in ClinVar's aggregate classification.

AiLife Diagnostics
Classification: Pathogenic. Last evaluated: 2022-01-20. Review status: criteria provided, single submitter. Criteria: ACMG Guidelines, 2015. Collection method: clinical testing. Allele origin: germline. Affected: yes. Observed: 1 variant allele. Not counted in ClinVar's aggregate classification.

Laboratory of Medical Genetics, National & Kapodistrian University of Athens
Classification: Pathogenic for Noonan syndrome 1. Last evaluated: 2021-10-01. Review status: criteria provided, single submitter. Criteria: ACMG Guidelines, 2015. Collection method: clinical testing. Allele origin: unknown. Affected: yes. Not counted in ClinVar's aggregate classification.
Comment: PS3, PM1, PM2, PP2, PP3, PP5

Institute of Medical Genetics and Applied Genomics, University Hospital Tübingen
Classification: Pathogenic. Last evaluated: 2021-09-15. Review status: criteria provided, single submitter. Criteria: ACMG Guidelines, 2015. Collection method: clinical testing. Allele origin: germline. Inheritance: Autosomal dominant inheritance. Affected: yes. Not counted in ClinVar's aggregate classification.

GeneDx
Classification: Pathogenic. Last evaluated: 2021-08-11. Review status: criteria provided, single submitter. Criteria: GeneDx Variant Classification Process June 2021. Collection method: clinical testing. Allele origin: germline. Affected: yes. Not counted in ClinVar's aggregate classification.
Comment: Published functional studies demonstrate that Y63C perturbs the autoinhibitory interaction between the N-SH2 and protein-tyrosine phosphatase domains, which is required to maintain SHP2 in its catalytically inactive state (Martinelli et al., 2012); The majority of missense variants in this gene are considered pathogenic (Stenson et al., 2014); In silico analysis supports that this missense variant has a deleterious effect on protein structure/function; This variant is associated with the following publications: (PMID: 21407260, 12325025, 24803665, 11704759, 30055033, 30417923, 32164556, 24219368, 22711529, 12634870, 26242988, 25156961, 30692697, 30050098, 29907801, 31219622, 31560489, 32371413, 32901917, 11992261, 9491886, 16053901, 29493581)

Kariminejad - Najmabadi Pathology & Genetics Center
Classification: Pathogenic. Last evaluated: 2021-07-10. Review status: criteria provided, single submitter. Criteria: ACMG Guidelines, 2015. Collection method: clinical testing. Allele origin: de novo. Affected: yes. Not counted in ClinVar's aggregate classification.

Baylor Genetics
Classification: Pathogenic for Metachondromatosis. Last evaluated: 2021-02-14. Review status: criteria provided, single submitter. Criteria: ACMG Guidelines, 2015. Collection method: clinical testing. Allele origin: unknown. Not counted in ClinVar's aggregate classification.

Baylor Genetics
Classification: Pathogenic for LEOPARD syndrome 1. Last evaluated: 2021-02-14. Review status: criteria provided, single submitter. Criteria: ACMG Guidelines, 2015. Collection method: clinical testing. Allele origin: unknown. Not counted in ClinVar's aggregate classification.

Baylor Genetics
Classification: Pathogenic for Noonan syndrome 1. Last evaluated: 2021-02-12. Review status: criteria provided, single submitter. Criteria: ACMG Guidelines, 2015. Collection method: clinical testing. Allele origin: unknown. Not counted in ClinVar's aggregate classification.

Clinical Genetics Laboratory, Region Ostergotland
Classification: Pathogenic for Noonan syndrome 1. Last evaluated: 2021-01-26. Review status: criteria provided, single submitter. Criteria: ACMG Guidelines, 2015. Collection method: clinical testing. Allele origin: germline. Affected: yes. Not counted in ClinVar's aggregate classification.
Comment: PS3, PS4, PM6, PP1, PP3, PP5

Genome Diagnostics Laboratory, The Hospital for Sick Children
Classification: Pathogenic for Noonan syndrome and Noonan-related syndrome. Last evaluated: 2020-09-14. Review status: criteria provided, single submitter. Criteria: ACMG Guidelines, 2015. Collection method: clinical testing. Allele origin: germline. Affected: yes. Not counted in ClinVar's aggregate classification.

Equipe Genetique des Anomalies du Developpement, Université de Bourgogne
Classification: Pathogenic for Noonan syndrome 1. Last evaluated: 2019-05-23. Review status: criteria provided, single submitter. Criteria: ACMG Guidelines, 2015. Collection method: clinical testing. Allele origin: de novo. Affected: yes. Not counted in ClinVar's aggregate classification.